The following is an entry in ClinVar:

ClinVar aggregate classification (germline): Uncertain significance (1 of 4 stars; one submission).

Allele frequency attached by ClinVar (database versions not stated): gnomAD exomes below 0.00001.
gnomAD v4.1: 3 of 1,610,232 alleles (0.00019%); highest among the groups gnomAD compares: South Asian, 0.0011%; no homozygotes.

Submission:

Labcorp Genetics (formerly Invitae), Labcorp
Classification: Uncertain significance. Last evaluated: 2024-05-21. Review status: criteria provided, single submitter. Criteria: Invitae Variant Classification Sherloc (09022015). Collection method: clinical testing. Allele origin: germline.
Comment: This sequence change replaces alanine, which is neutral and non-polar, with serine, which is neutral and polar, at codon 16 of the SERPINH1 protein (p.Ala16Ser). This variant is not present in population databases (gnomAD no frequency). This variant has not been reported in the literature in individuals affected with SERPINH1-related conditions. ClinVar contains an entry for this variant (Variation ID: 1373609). Advanced modeling of protein sequence and biophysical properties (such as structural, functional, and spatial information, amino acid conservation, physicochemical variation, residue mobility, and thermodynamic stability) performed at Invitae indicates that this missense variant is not expected to disrupt SERPINH1 protein function with a negative predictive value of 95%. In summary, the available evidence is currently insufficient to determine the role of this variant in disease. Therefore, it has been classified as a Variant of Uncertain Significance.

NM_001235.5(SERPINH1):c.46G>T (p.Ala16Ser)

Gene: SERPINH1 (serpin family H member 1; plus strand). Cytogenetic location: 11q13.5.
Variant type: single nucleotide variant.
Coding change: c.46G>T on transcript NM_001235.5 (MANE Select); coding-DNA position 46, G replaced by T.
Protein change: p.Ala16Ser; replaces alanine 16 with serine.
Molecular consequence: missense variant.
Genome position (GRCh38, 1-based): chr11:75,566,395, G>T. VCF-style: chr11-75566395-G-T. GRCh37 (hg19) VCF-style: chr11-75277440-G-T.
Other names: c.46G>T, p.Ala16Ser (NM_001207014.3); short protein forms A16S.
Identifiers: ClinVar variation 1373609 (VCV001373609.5), dbSNP rs2135551039, ClinGen allele CA381888679.